The following is an entry in ClinVar:

NM_001243279.3(ACSF3):c.1673G>C (p.Arg558Pro)

Gene: ACSF3 (acyl-CoA synthetase family member 3; plus strand). Cytogenetic location: 16q24.3.
Variant type: single nucleotide variant.
Coding change: c.1673G>C on transcript NM_001243279.3 (MANE Select); coding-DNA position 1673, G replaced by C.
Protein change: p.Arg558Pro; replaces arginine 558 with proline.
Molecular consequence: missense variant. On other transcripts: non-coding transcript variant (4).
Genome position (GRCh38, 1-based): chr16:89,154,149, G>C. VCF-style: chr16-89154149-G-C. GRCh37 (hg19) VCF-style: chr16-89220557-G-C.
Other names: c.1673G>C, p.Arg558Pro (NM_001127214.4, NM_174917.5); c.878G>C, p.Arg293Pro (NM_001284316.2); short protein forms R293P, R558P.
Identifiers: ClinVar variation 992106 (VCV000992106.7), dbSNP rs140328142, ClinGen allele CA8238371.
Genomic context (GRCh38, chr16:89,154,149, plus strand): 5'-GAAATGTCCTGGCCCCGTACGCGGTGCCCTCGGAGCTGGTGCTGGTGGAGGAGATCCCGC[G>C]GAACCAGATGGGCAAGATTGACAAGAAGGCGCTCATCAGGCACTTCCACCCCTCATGACC-3'
Protein context (NP_001230208.1, residues 548-568): SELVLVEEIP[Arg558Pro]NQMGKIDKKA

ClinVar aggregate classification (germline): Conflicting classifications of pathogenicity. Review status: criteria provided, conflicting classifications (1 of 4 stars). 4 submissions from 4 submitters: Likely pathogenic (1); Uncertain significance (2). 1 of the submissions does not count toward it. Last evaluated 2025-05-30.

Conditions:
Methylmalonic acidemia (MMA). Also called: Isolated Methylmalonic Acidemia. Identifiers: MedGen C0268583, MeSH C537358, MONDO:0002012, HP:0002912.
Combined malonic and methylmalonic acidemia. Identifiers: Orphanet 289504, MedGen C3280314, MONDO:0013661, OMIM 614265.

Allele frequency attached by ClinVar (database versions not stated): TOPMed 0.00012; 1000 Genomes Project 30x 0.00016; ESP Exome Variant Server 0.00031.
gnomAD v4.1: 25 of 1,613,310 alleles (0.0015%); highest among the groups gnomAD compares: African/African-American, 0.027%; no homozygotes.

Submissions (4):

Women's Health and Genetics/Laboratory Corporation of America, LabCorp
Classification: Uncertain significance. Last evaluated: 2025-05-30. Review status: criteria provided, single submitter. Criteria: LabCorp Variant Classification Summary - May 2015. Collection method: clinical testing. Allele origin: germline.
Comment: Variant summary: ACSF3 c.1673G>C (p.Arg558Pro) results in a non-conservative amino acid change located in the AMP-binding enzyme, C-terminal domain (IPR025110) of the encoded protein sequence. Algorithms developed to predict the effect of missense changes on protein structure and function all suggest that this variant is likely to be disruptive. The variant allele was found at a frequency of 2e-05 in 248406 control chromosomes. The available data on variant occurrences in the general population are insufficient to allow any conclusion about variant significance. To our knowledge, no occurrence of c.1673G>C in individuals affected with Combined Malonic And Methylmalonic Aciduria and no experimental evidence demonstrating its impact on protein function have been reported. A different variant affecting the same codon has been classified as pathogenic by our lab (c.1672C>T, p.Arg558Trp), supporting the critical relevance of codon 558 to ACSF3 protein function. ClinVar contains an entry for this variant (Variation ID: 992106). Based on the evidence outlined above, the variant was classified as uncertain significance.

Labcorp Genetics (formerly Invitae), Labcorp
Classification: Likely pathogenic for Combined malonic and methylmalonic acidemia. Last evaluated: 2023-10-30. Review status: criteria provided, single submitter. Criteria: Invitae Variant Classification Sherloc (09022015). Collection method: clinical testing. Allele origin: germline.
Comment: This sequence change replaces arginine, which is basic and polar, with proline, which is neutral and non-polar, at codon 558 of the ACSF3 protein (p.Arg558Pro). This variant is present in population databases (rs140328142, gnomAD 0.03%). This variant has not been reported in the literature in individuals affected with ACSF3-related conditions. ClinVar contains an entry for this variant (Variation ID: 992106). Advanced modeling of protein sequence and biophysical properties (such as structural, functional, and spatial information, amino acid conservation, physicochemical variation, residue mobility, and thermodynamic stability) performed at Invitae indicates that this missense variant is expected to disrupt ACSF3 protein function with a positive predictive value of 95%. This variant disrupts the p.Arg558 amino acid residue in ACSF3. Other variant(s) that disrupt this residue have been determined to be pathogenic (PMID: 21841779, 26827111). This suggests that this residue is clinically significant, and that variants that disrupt this residue are likely to be disease-causing. In summary, the currently available evidence indicates that the variant is pathogenic, but additional data are needed to prove that conclusively. Therefore, this variant has been classified as Likely Pathogenic.

Fulgent Genetics
Classification: Uncertain significance for Combined malonic and methylmalonic acidemia. Last evaluated: 2021-08-03. Review status: criteria provided, single submitter. Criteria: ACMG Guidelines, 2015. Collection method: clinical testing. Allele origin: unknown.

Natera, Inc.
Classification: Uncertain significance for Methylmalonic acidemia. Last evaluated: 2020-09-01. Review status: no assertion criteria provided. Collection method: clinical testing. Allele origin: germline. Not counted in ClinVar's aggregate classification.

Literature cited by the submitters: PubMed 21841779 (cited by Labcorp Genetics (formerly Invitae), Labcorp); PubMed 26827111 (cited by Labcorp Genetics (formerly Invitae), Labcorp).